The following is an entry in ClinVar:

ClinVar aggregate classification (germline): Conflicting classifications of pathogenicity. Review status: criteria provided, conflicting classifications (1 of 4 stars). 3 submissions from 3 submitters: Uncertain significance (2); Benign (1). Last evaluated 2025-11-05.

Allele frequency attached by ClinVar (database versions not stated): gnomAD exomes below 0.00001 and 0.00003; ExAC 0.00001.
gnomAD v4.1: 37 of 1,613,580 alleles (0.0023%); highest among the groups gnomAD compares: Non-Finnish European, 0.0031%; no homozygotes.

Submissions (3):

Ambry Genetics
Classification: Uncertain significance. Last evaluated: 2025-11-05. Review status: criteria provided, single submitter. Criteria: Ambry Variant Classification Scheme 2023. Collection method: clinical testing. Allele origin: germline.

Labcorp Genetics (formerly Invitae), Labcorp
Classification: Uncertain significance. Last evaluated: 2025-09-25. Review status: criteria provided, single submitter. Criteria: Invitae Variant Classification Sherloc (09022015). Collection method: clinical testing. Allele origin: germline.
Comment: This sequence change replaces glycine, which is neutral and non-polar, with glutamic acid, which is acidic and polar, at codon 2 of the ADGRE2 protein (p.Gly2Glu). This variant is present in population databases (rs757681429, gnomAD 0.0009%). This variant has not been reported in the literature in individuals affected with ADGRE2-related conditions. ClinVar contains an entry for this variant (Variation ID: 1686374). An algorithm developed to predict the effect of missense changes on protein structure and function (PolyPhen-2) suggests that this variant is likely to be tolerated. In summary, the available evidence is currently insufficient to determine the role of this variant in disease. Therefore, it has been classified as a Variant of Uncertain Significance.

Mendelics
Classification: Benign. Last evaluated: 2022-05-04. Review status: criteria provided, single submitter. Criteria: Mendelics Assertion Criteria 2019. Collection method: clinical testing. Allele origin: germline.

NM_013447.4(ADGRE2):c.5G>A (p.Gly2Glu)

Gene: ADGRE2 (adhesion G protein-coupled receptor E2; minus strand). Cytogenetic location: 19p13.12.
Variant type: single nucleotide variant.
Coding change: c.5G>A on transcript NM_013447.4 (MANE Select); coding-DNA position 5, G replaced by A.
Protein change: p.Gly2Glu; replaces glycine 2 with glutamic acid.
Molecular consequence: missense variant.
Genome position (GRCh38, 1-based): chr19:14,776,752, C>T on the plus strand (G>A on the coding strand, the complement: ADGRE2 is on the minus strand). VCF-style: chr19-14776752-C-T. GRCh37 (hg19) VCF-style: chr19-14887564-C-T.
Other names: c.5G>A (NM_013447.2); c.5G>A, p.Gly2Glu (NM_001271052.1); short protein forms G2E.
Identifiers: ClinVar variation 1686374 (VCV001686374.3), dbSNP rs757681429, ClinGen allele CA9258364.